The following is an entry in ClinVar:

NM_201384.3(PLEC):c.4749C>T (p.Ala1583=)

Gene: PLEC (plectin; minus strand). Cytogenetic location: 8q24.3.
Variant type: single nucleotide variant.
Coding change: c.4749C>T on transcript NM_201384.3 (MANE Select); coding-DNA position 4749, C replaced by T.
Protein change: p.Ala1583=; no amino-acid change (alanine 1583 retained).
Molecular consequence: synonymous variant.
Genome position (GRCh38, 1-based): chr8:143,925,180, G>A on the plus strand (C>T on the coding strand, the complement: PLEC is on the minus strand). VCF-style: chr8-143925180-G-A. GRCh37 (hg19) VCF-style: chr8-144999348-G-A.
Other names: c.4830C>T, p.Ala1610= (NM_000445.5); c.4707C>T, p.Ala1569= (NM_201378.4); c.4683C>T, p.Ala1561= (NM_201379.3); c.5160C>T, p.Ala1720= (NM_201380.4); c.4653C>T, p.Ala1551= (NM_201381.3); c.4749C>T, p.Ala1583= (NM_201382.4); c.4761C>T, p.Ala1587= (NM_201383.3).
Identifiers: ClinVar variation 752925 (VCV000752925.27), dbSNP rs1554701088, ClinGen allele CA463534772.
Genomic context (GRCh38, chr8:143,925,180, plus strand): 5'-CACAGCCACGTGTTCCTCCTGCAGGGAGCGCTCCAGCTGTGCCGTCTTCTCGGCGAAGGA[G>A]GCGCGTTTGCTCTGCAGCTCCGCCTCTGCACTGCGCTGCGCCGTCTCCAGGGCCACCTGT-3'
Protein context (NP_958786.1, residues 1573-1593): SAEAELQSKR[Ala1583=]SFAEKTAQLE

ClinVar aggregate classification (germline): Likely benign. Review status: criteria provided, multiple submitters, no conflicts (2 of 4 stars). 2 submissions from 2 submitters: Likely benign (2). Last evaluated 2023-05-01.

gnomAD v4.1: 2 of 1,573,496 alleles (0.00013%); highest among the groups gnomAD compares: Non-Finnish European, 0.00017%; no homozygotes.

Submissions (2):

CeGaT Center for Human Genetics Tuebingen
Classification: Likely benign. Last evaluated: 2023-05-01. Review status: criteria provided, single submitter. Criteria: CeGaT Center For Human Genetics Tuebingen Variant Classification Criteria Version 2. Collection method: clinical testing. Allele origin: germline. Affected: yes. Observed: 1 variant allele.
Comment: PLEC: BP4, BP7

Labcorp Genetics (formerly Invitae), Labcorp
Classification: Likely benign. Last evaluated: 2018-06-15. Review status: criteria provided, single submitter. Criteria: Invitae Variant Classification Sherloc (09022015). Collection method: clinical testing. Allele origin: germline.